The following is an entry in ClinVar:

NM_004415.4(DSP):c.7563T>C (p.Asp2521=)

Gene: DSP (desmoplakin; plus strand). Cytogenetic location: 6p24.3.
Variant type: single nucleotide variant.
Coding change: c.7563T>C on transcript NM_004415.4 (MANE Select); coding-DNA position 7563, T replaced by C.
Protein change: p.Asp2521=; no amino-acid change (aspartic acid 2521 retained).
Molecular consequence: synonymous variant.
Genome position (GRCh38, 1-based): chr6:7,584,825, T>C. VCF-style: chr6-7584825-T-C. GRCh37 (hg19) VCF-style: chr6-7585058-T-C.
Other names: c.7563T>C (LRG_423t1); c.5766T>C, p.Asp1922= (NM_001008844.3); c.6234T>C, p.Asp2078= (NM_001319034.2).
Identifiers: ClinVar variation 628777 (VCV000628777.23), dbSNP rs984412074, ClinGen allele CA133976146.
Genomic context (GRCh38, chr6:7,584,825, plus strand): 5'-TGAATGGGAAGAAATAACCATCACGGGATCAGATGGCTCCACCAGGGTGGTCCTGGTAGA[T>C]AGAAAGACAGGCAGTCAGTATGATATTCAAGATGCTATTGACAAGGGCCTTGTTGACAGG-3'
Protein context (NP_004406.2, residues 2511-2531): SDGSTRVVLV[Asp2521=]RKTGSQYDIQ

ClinVar aggregate classification (germline): Likely benign. Review status: criteria provided, multiple submitters, no conflicts (2 of 4 stars). 7 submissions from 7 submitters: Likely benign (7). Last evaluated 2026-01-13.

Conditions:
Cardiovascular phenotype. Identifiers: MedGen CN230736.
Cardiomyopathy (CMYO). Also called: Cardiomyopathies. Identifiers: Orphanet 167848, MedGen C0878544, MONDO:0004994, HP:0001638. Inheritance: Various modes of inheritance.
Arrhythmogenic cardiomyopathy with wooly hair and keratoderma. Also called: PALMOPLANTAR KERATODERMA WITH LEFT VENTRICULAR CARDIOMYOPATHY AND WOOLLY HAIR; Carvajal syndrome; Dilated cardiomyopathy with woolly hair and keratoderma; Arrhythmogenic cardiomyopathy with woolly hair and keratoderma. Identifiers: Orphanet 65282, MedGen C1854063, MONDO:0011581, OMIM 605676.
Arrhythmogenic right ventricular dysplasia 8 (ARVD8). Also called: ARRHYTHMOGENIC RIGHT VENTRICULAR DYSPLASIA, FAMILIAL, 8; ARRHYTHMOGENIC RIGHT VENTRICULAR CARDIOMYOPATHY 8; Arrhythmogenic Right Ventricular Dysplasia/Cardiomyopathy 8. Identifiers: MedGen C1843896, MONDO:0011831, OMIM 607450.

Allele frequency attached by ClinVar (database versions not stated): gnomAD exomes 0.00001; gnomAD 0.00007; TOPMed 0.00015.
gnomAD v4.1: 21 of 1,614,062 alleles (0.0013%); highest among the groups gnomAD compares: Admixed American, 0.027%; no homozygotes.

Submissions (7):

Labcorp Genetics (formerly Invitae), Labcorp
Classification: Likely benign for Arrhythmogenic cardiomyopathy with wooly hair and keratoderma; Arrhythmogenic right ventricular dysplasia 8. Last evaluated: 2026-01-13. Review status: criteria provided, single submitter. Criteria: Invitae Variant Classification Sherloc (09022015). Collection method: clinical testing. Allele origin: germline.

All of Us Research Program, National Institutes of Health
Classification: Likely benign for Arrhythmogenic cardiomyopathy with wooly hair and keratoderma. Last evaluated: 2024-02-05. Review status: criteria provided, single submitter. Criteria: ACMG Guidelines, 2015. Collection method: clinical testing. Allele origin: germline. Inheritance: Autosomal dominant inheritance. Observed: 10 variant alleles, 10 heterozygotes.
Comment: This study involves interpretation of variants in research participants for the purpose of population health screening. Participant phenotype was not available at the time of variant classification. Additional details can be found in publication PMID: 35346344, PMCID: PMC8962531

CHEO Genetics Diagnostic Laboratory, Children's Hospital of Eastern Ontario
Classification: Likely benign for Cardiomyopathy. Last evaluated: 2022-05-09. Review status: criteria provided, single submitter. Criteria: ACMG Guidelines, 2015. Collection method: clinical testing. Allele origin: germline.

Women's Health and Genetics/Laboratory Corporation of America, LabCorp
Classification: Likely benign. Last evaluated: 2020-09-06. Review status: criteria provided, single submitter. Criteria: LabCorp Variant Classification Summary - May 2015. Collection method: clinical testing. Allele origin: germline.

Ambry Genetics
Classification: Likely benign for Cardiovascular phenotype. Last evaluated: 2018-07-10. Review status: criteria provided, single submitter. Criteria: Ambry Variant Classification Scheme 2023. Collection method: clinical testing. Allele origin: germline.

Color Diagnostics, LLC DBA Color Health
Classification: Likely benign for Cardiomyopathy. Last evaluated: 2018-07-02. Review status: criteria provided, single submitter. Criteria: ACMG Guidelines, 2015. Collection method: clinical testing. Allele origin: germline.

Laboratory for Molecular Medicine, Mass General Brigham Personalized Medicine
Classification: Likely benign. Last evaluated: 2018-05-24. Review status: criteria provided, single submitter. Criteria: LMM Criteria. Collection method: clinical testing. Allele origin: germline. Observed: 1 variant allele.
Comment: p.Asp2521Asp in exon24 of DSP: This variant is classified as likely benign becau se it does not alter an amino acid residue, it is not located within the splice consensus sequence, and splice prediction algorithms do not predict a newly crea ted splice site. This variant has been identified in 2/33580 Latino chromosomes by the Genome Aggregation Database (gnomAD; db SNP rs984412074). ACMG/AMP criteria applied: BP4, BP7.